The following is an entry in ClinVar:

ClinVar aggregate classification (germline): Uncertain significance (1 of 4 stars; one submission).

Conditions:
Propionic acidemia (PROP). Also called: GLYCINEMIA, KETOTIC; HYPERGLYCINEMIA WITH KETOACIDOSIS AND LEUKOPENIA; KETOTIC HYPERGLYCINEMIA. Identifiers: Orphanet 35, MedGen C0268579, MONDO:0011628, OMIM 606054, HP:0003571.

Submission:

Labcorp Genetics (formerly Invitae), Labcorp
Classification: Uncertain significance for Propionic acidemia. Last evaluated: 2021-11-14. Review status: criteria provided, single submitter. Criteria: Invitae Variant Classification Sherloc (09022015). Collection method: clinical testing. Allele origin: germline.
Comment: This sequence change replaces glutamine, which is neutral and polar, with leucine, which is neutral and non-polar, at codon 241 of the PCCB protein (p.Gln241Leu). This variant is not present in population databases (gnomAD no frequency). This variant has not been reported in the literature in individuals affected with PCCB-related conditions. Advanced modeling of protein sequence and biophysical properties (such as structural, functional, and spatial information, amino acid conservation, physicochemical variation, residue mobility, and thermodynamic stability) performed at Invitae indicates that this missense variant is not expected to disrupt PCCB protein function. In summary, the available evidence is currently insufficient to determine the role of this variant in disease. Therefore, it has been classified as a Variant of Uncertain Significance.

NM_000532.5(PCCB):c.722A>T (p.Gln241Leu)

Gene: PCCB (propionyl-CoA carboxylase subunit beta; plus strand). Cytogenetic location: 3q22.3.
Variant type: single nucleotide variant.
Coding change: c.722A>T on transcript NM_000532.5 (MANE Select); coding-DNA position 722, A replaced by T.
Protein change: p.Gln241Leu; replaces glutamine 241 with leucine.
Molecular consequence: missense variant.
Genome position (GRCh38, 1-based): chr3:136,293,823, A>T. VCF-style: chr3-136293823-A-T. GRCh37 (hg19) VCF-style: chr3-136012665-A-T.
Other names: c.782A>T, p.Gln261Leu (NM_001178014.2); short protein forms Q241L, Q261L.
Identifiers: ClinVar variation 2416339 (VCV002416339.3), dbSNP rs766364049, ClinGen allele CA354643655.